The following is an entry in ClinVar:

NM_000059.4(BRCA2):c.8633-33_8726delinsCAGACCCAGCTT

Gene: BRCA2 (BRCA2 DNA repair associated; plus strand). Cytogenetic location: 13q13.1.
Variant type: Indel.
Coding change: c.8633-33_8726delinsCAGACCCAGCTT on transcript NM_000059.4 (MANE Select); 33 bases into the intron before coding-DNA position 8633 through coding-DNA position 8726, the reference bases replaced by CAGACCCAGCTT.
Molecular consequence: splice acceptor variant.
Genome position (GRCh38, 1-based): chr13:32,376,637-32,376,763, 127 bases replaced. GRCh37 (hg19): chr13:32,950,774-32,950,900.
Other names: c.2216-33_2309delinsCAGACCCAGCTT (NM_001406722.1); c.8633-33_8726delinsCAGACCCAGCTT (NM_001406720.1); c.8537-33_8630delinsCAGACCCAGCTT (NM_001406719.1); c.3701-33_3794delinsCAGACCCAGCTT (NM_001406721.1).
Identifiers: ClinVar variation 2451512 (VCV002451512.2), dbSNP rs2548553097, ClinGen allele CA2580087414.

ClinVar aggregate classification (germline): Likely pathogenic (1 of 4 stars; one submission).

Conditions:
Hereditary cancer-predisposing syndrome. Also called: Neoplastic Syndromes, Hereditary; Tumor predisposition; Hereditary neoplastic syndrome; Hereditary Cancer Syndrome. Identifiers: Orphanet 140162, MedGen C0027672, MeSH D009386, MONDO:0015356.

Submission:

Ambry Genetics
Classification: Likely pathogenic for Hereditary cancer-predisposing syndrome. Last evaluated: 2022-12-16. Review status: criteria provided, single submitter. Criteria: Ambry Variant Classification Scheme 2023. Collection method: clinical testing. Allele origin: germline.
Comment: The c.8633-33_8726del127ins12 variant results from a deletion of 127 nucleotides and insertion of 12 nucleotides (CAGACCCAGCTT) at positions c.8633-33 to c.8726 and involves the canonical splice acceptor site before coding exon 20 of the BRCA2 gene. The canonical splice acceptor site is well conserved in available vertebrate species. Using the BDGP splice site prediction tool, this alteration is predicted to abolish the native acceptor splice site; however, direct evidence is insufficient at this time (Ambry internal data). This variant is considered to be rare based on population cohorts in the Genome Aggregation Database (gnomAD). Alterations that disrupt the canonical splice site are expected to cause aberrant splicing, resulting in an abnormal protein or a transcript that is subject to nonsense-mediated mRNA decay. As such, this alteration is classified as likely pathogenic.